The following is an entry in ClinVar:

ClinVar aggregate classification (germline): Pathogenic (1 of 4 stars; one submission).

Submission:

Labcorp Genetics (formerly Invitae), Labcorp
Classification: Pathogenic. Last evaluated: 2025-02-03. Review status: criteria provided, single submitter. Criteria: Invitae Variant Classification Sherloc (09022015). Collection method: clinical testing. Allele origin: germline.
Comment: This sequence change creates a premature translational stop signal (p.Glu135Argfs*51) in the SFTPC gene. It is expected to result in an absent or disrupted protein product. However, the current clinical and genetic evidence is not sufficient to establish whether loss-of-function variants in SFTPC cause disease. This variant is not present in population databases (gnomAD no frequency). This premature translational stop signal has been observed in individual(s) with clinical features of SFTPC-related conditions (internal data). In at least one individual the variant was observed to be de novo. ClinVar contains an entry for this variant (Variation ID: 2861268). For these reasons, this variant has been classified as Pathogenic.

NM_001317778.2(SFTPC):c.400del (p.Glu135fs)

Gene: SFTPC (surfactant protein C; plus strand). Cytogenetic location: 8p21.3.
Variant type: Deletion.
Coding change: c.400del on transcript NM_001317778.2 (MANE Select); coding-DNA position 400, one base deleted (C; older notation c.400delC).
Protein change: p.Glu135fs; shifts the reading frame from glutamic acid 135.
Molecular consequence: frameshift variant.
Genome position (GRCh38, 1-based): chr8:22,163,511, C deleted. VCF-style (leftmost placement, unchanged base first): chr8-22163510-TC-T. GRCh37 (hg19) VCF-style: chr8-22021023-TC-T.
Other names: c.400del, p.Glu135fs (NM_001172357.2, NM_001172410.2, NM_001317780.2 and 8 more transcripts); c.241del, p.Glu82fs (NM_001317779.2, NM_001385660.1); short protein forms E135fs, E82fs.
Identifiers: ClinVar variation 2861268 (VCV002861268.3), dbSNP rs2538945704, ClinGen allele CA2739279124.